The following is an entry in ClinVar:

ClinVar aggregate classification (germline): Uncertain significance. Review status: criteria provided, multiple submitters, no conflicts (2 of 4 stars). 3 submissions from 3 submitters: Uncertain significance (3). Last evaluated 2025-12-05.

Conditions:
Inborn genetic diseases. Identifiers: MedGen C0950123, MeSH D030342.

Allele frequency attached by ClinVar (database versions not stated): ESP Exome Variant Server 0.00008; 1000 Genomes Project 0.00040; 1000 Genomes Project 30x 0.00047.
gnomAD v4.1: 65 of 1,614,104 alleles (0.004%); highest among the groups gnomAD compares: African/African-American, 0.0067%; no homozygotes.

Submissions (3):

Women's Health and Genetics/Laboratory Corporation of America, LabCorp
Classification: Uncertain significance. Last evaluated: 2025-12-05. Review status: criteria provided, single submitter. Criteria: LabCorp Variant Classification Summary - May 2015. Collection method: clinical testing. Allele origin: germline.

Ambry Genetics
Classification: Uncertain significance for Inborn genetic diseases. Last evaluated: 2024-12-03. Review status: criteria provided, single submitter. Criteria: Ambry Variant Classification Scheme 2023. Collection method: clinical testing. Allele origin: germline.

Labcorp Genetics (formerly Invitae), Labcorp
Classification: Uncertain significance. Last evaluated: 2024-04-20. Review status: criteria provided, single submitter. Criteria: Invitae Variant Classification Sherloc (09022015). Collection method: clinical testing. Allele origin: germline.
Comment: This sequence change replaces arginine, which is basic and polar, with glutamine, which is neutral and polar, at codon 2492 of the COL7A1 protein (p.Arg2492Gln). This variant is present in population databases (rs143283465, gnomAD 0.008%). This variant has not been reported in the literature in individuals affected with COL7A1-related conditions. ClinVar contains an entry for this variant (Variation ID: 2152903). Advanced modeling of protein sequence and biophysical properties (such as structural, functional, and spatial information, amino acid conservation, physicochemical variation, residue mobility, and thermodynamic stability) has been performed at Invitae for this missense variant, however the output from this modeling did not meet the statistical confidence thresholds required to predict the impact of this variant on COL7A1 protein function. In summary, the available evidence is currently insufficient to determine the role of this variant in disease. Therefore, it has been classified as a Variant of Uncertain Significance.

NM_000094.4(COL7A1):c.7475G>A (p.Arg2492Gln)

Gene: COL7A1 (collagen type VII alpha 1 chain; minus strand). Cytogenetic location: 3p21.31.
Variant type: single nucleotide variant.
Coding change: c.7475G>A on transcript NM_000094.4 (MANE Select); coding-DNA position 7475, G replaced by A.
Protein change: p.Arg2492Gln; replaces arginine 2492 with glutamine.
Molecular consequence: missense variant.
Genome position (GRCh38, 1-based): chr3:48,570,144, C>T on the plus strand (G>A on the coding strand, the complement: COL7A1 is on the minus strand). VCF-style: chr3-48570144-C-T. GRCh37 (hg19) VCF-style: chr3-48607577-C-T.
Other names: short protein forms R2492Q.
Identifiers: ClinVar variation 2152903 (VCV002152903.5), dbSNP rs143283465, ClinGen allele CA2378488.
Genomic context (GRCh38, chr3:48,570,144, plus strand): 5'-AGGCAGGGGACTGAAGTCACAGCACTGTCACTTTCCCCAGCGGGACCCACCGTGAGTCCT[C>T]GGGGTCCCTCCTGGCCGGGGCGGCCATCTTCACCCTGGATGGTGACATTAGGTTCATTGA-3'
Protein context (NP_000085.1, residues 2482-2502): EDGRPGQEGP[Arg2492Gln]GLTGPPGSRG